The following is an entry in ClinVar:

ClinVar aggregate classification (germline): Benign/Likely benign. Review status: criteria provided, multiple submitters, no conflicts (2 of 4 stars). 4 submissions from 4 submitters: Benign (1); Likely benign (3). Last evaluated 2025-09-20.

Conditions:
Megalencephaly-polymicrogyria-postaxial polydactyly-hydrocephalus syndrome. Also called: MEG-PMG-MEGACC SYNDROME; MPPH Syndrome. Identifiers: Orphanet 83473, MedGen C1863924, MONDO:0019375.

Allele frequency attached by ClinVar (database versions not stated): ExAC 0.00011; TOPMed 0.00011; gnomAD 0.00013; gnomAD exomes 0.00015.
gnomAD v4.1: 252 of 1,613,766 alleles (0.016%); highest among the groups gnomAD compares: Admixed American, 0.017%; no homozygotes.

Submissions (4):

Labcorp Genetics (formerly Invitae), Labcorp
Classification: Likely benign for Megalencephaly-polymicrogyria-postaxial polydactyly-hydrocephalus syndrome. Last evaluated: 2025-09-20. Review status: criteria provided, single submitter. Criteria: Invitae Variant Classification Sherloc (09022015). Collection method: clinical testing. Allele origin: germline.

Blueprint Genetics
Classification: Likely benign. Last evaluated: 2024-08-06. Review status: criteria provided, single submitter. Criteria: ACMG Guidelines, 2015. Collection method: clinical testing. Allele origin: germline.

CeGaT Center for Human Genetics Tuebingen
Classification: Likely benign. Last evaluated: 2023-07-01. Review status: criteria provided, single submitter. Criteria: CeGaT Center For Human Genetics Tuebingen Variant Classification Criteria Version 2. Collection method: clinical testing. Allele origin: germline. Affected: yes. Observed: 1 variant allele.
Comment: PIK3R2: BP4, BP7

GeneDx
Classification: Benign. Last evaluated: 2021-06-18. Review status: criteria provided, single submitter. Criteria: GeneDx Variant Classification Process June 2021. Collection method: clinical testing. Allele origin: germline. Affected: yes.

NM_005027.4(PIK3R2):c.1191C>T (p.Ser397=)

Gene: PIK3R2 (phosphoinositide-3-kinase regulatory subunit 2; plus strand). Cytogenetic location: 19p13.11.
Variant type: single nucleotide variant.
Coding change: c.1191C>T on transcript NM_005027.4 (MANE Select); coding-DNA position 1191, C replaced by T.
Protein change: p.Ser397=; no amino-acid change (serine 397 retained).
Molecular consequence: synonymous variant. On other transcripts: non-coding transcript variant (2).
Genome position (GRCh38, 1-based): chr19:18,163,048, C>T. VCF-style: chr19-18163048-C-T. GRCh37 (hg19) VCF-style: chr19-18273858-C-T.
Identifiers: ClinVar variation 729647 (VCV000729647.34), dbSNP rs201146203, ClinGen allele CA9306949.